The following is an entry in ClinVar:

ClinVar aggregate classification (germline): Uncertain significance. Review status: criteria provided, multiple submitters, no conflicts (2 of 4 stars). 2 submissions from 2 submitters: Uncertain significance (2). Last evaluated 2026-02-03.

Conditions:
PLEC-related disorder. Also called: PLEC-related condition; PLEC-related disorders.
Epidermolysis bullosa simplex, Ogna type (EBS5A). Also called: Pidermolysis bullosa simplex 5A, Ogna type; EPIDERMOLYSIS BULLOSA SIMPLEX 5A, OGNA TYPE. Identifiers: Orphanet 79401, MedGen C0432317, MONDO:0007555, OMIM 131950.
Autosomal recessive limb-girdle muscular dystrophy type 2Q (LGMDR17). Also called: MUSCULAR DYSTROPHY, LIMB-GIRDLE, AUTOSOMAL RECESSIVE 17. Identifiers: Orphanet 254361, MedGen C3150989, MONDO:0013390, OMIM 613723.
Epidermolysis bullosa simplex with nail dystrophy (EBS5D). Identifiers: MedGen C4225309, MONDO:0014661, OMIM 616487.
Epidermolysis bullosa simplex 5C, with pyloric atresia (EBS5C). Also called: PLEC-Related Epidermolysis Bullosa with Pyloric Atresia; Epidermolysis bullosa simplex with pyloric atresia; PLEC1-Related Epidermolysis Bullosa with Pyloric Atresia. Identifiers: Orphanet 158684, MedGen C2677349, MONDO:0012807, OMIM 612138.
Epidermolysis bullosa simplex 5B, with muscular dystrophy (EBS5B). Also called: Epidermolysis bullosa simplex with muscular dystrophy; EPIDERMOLYSIS BULLOSA SIMPLEX AND LIMB-GIRDLE MUSCULAR DYSTROPHY. Identifiers: Orphanet 257, MedGen C2931072, MONDO:0009181, OMIM 226670.

gnomAD v4.1: 4 of 1,611,352 alleles (0.00025%); highest among the groups gnomAD compares: Non-Finnish European, 0.000085%; no homozygotes.

Submissions (2):

PreventionGenetics, part of Exact Sciences
Classification: Uncertain significance for PLEC-related condition. Last evaluated: 2026-02-03. Review status: criteria provided, single submitter. Criteria: ACMG Guidelines, 2015. Collection method: clinical testing. Allele origin: germline.
Comment: The PLEC c.2707C>T variant is predicted to result in the amino acid substitution p.His903Tyr. To our knowledge, this variant has not been reported in the literature or in a large population database (gnomAD), indicating this variant is rare. At this time, the clinical significance of this variant is uncertain due to the absence of conclusive functional and genetic evidence.

Labcorp Genetics (formerly Invitae), Labcorp
Classification: Uncertain significance for Autosomal recessive limb-girdle muscular dystrophy type 2Q; Epidermolysis bullosa simplex, Ogna type; Epidermolysis bullosa simplex with nail dystrophy; Epidermolysis bullosa simplex 5C, with pyloric atresia; Epidermolysis bullosa simplex 5B, with muscular dystrophy. Last evaluated: 2023-08-23. Review status: criteria provided, single submitter. Criteria: Invitae Variant Classification Sherloc (09022015). Collection method: clinical testing. Allele origin: germline.
Comment: This variant has not been reported in the literature in individuals affected with PLEC-related conditions. This variant is not present in population databases (gnomAD no frequency). This sequence change replaces histidine, which is basic and polar, with tyrosine, which is neutral and polar, at codon 903 of the PLEC protein (p.His903Tyr). Advanced modeling of protein sequence and biophysical properties (such as structural, functional, and spatial information, amino acid conservation, physicochemical variation, residue mobility, and thermodynamic stability) performed at Invitae indicates that this missense variant is not expected to disrupt PLEC protein function. In summary, the available evidence is currently insufficient to determine the role of this variant in disease. Therefore, it has been classified as a Variant of Uncertain Significance.

NM_201384.3(PLEC):c.2626C>T (p.His876Tyr)

Gene: PLEC (plectin; minus strand). Cytogenetic location: 8q24.3.
Variant type: single nucleotide variant.
Coding change: c.2626C>T on transcript NM_201384.3 (MANE Select); coding-DNA position 2626, C replaced by T.
Protein change: p.His876Tyr; replaces histidine 876 with tyrosine.
Molecular consequence: missense variant.
Genome position (GRCh38, 1-based): chr8:143,930,049, G>A on the plus strand (C>T on the coding strand, the complement: PLEC is on the minus strand). VCF-style: chr8-143930049-G-A. GRCh37 (hg19) VCF-style: chr8-145004217-G-A.
Other names: c.2707C>T (NM_000445.4); c.2707C>T, p.His903Tyr (NM_000445.5, NM_001410941.1); c.2584C>T, p.His862Tyr (NM_201378.4); c.2560C>T, p.His854Tyr (NM_201379.3); c.3037C>T, p.His1013Tyr (NM_201380.4); c.2530C>T, p.His844Tyr (NM_201381.3); c.2626C>T, p.His876Tyr (NM_201382.4); c.2638C>T, p.His880Tyr (NM_201383.3); short protein forms H880Y, H903Y, H1013Y, H844Y, H854Y, H862Y, H876Y.
Identifiers: ClinVar variation 2930562 (VCV002930562.4), dbSNP rs1248711545, ClinGen allele CA372573490.
Genomic context (GRCh38, chr8:143,930,049, plus strand): 5'-AGGCCAGAAGGCTCTTCATGTCCACGTGCAACTGGTGCCACAGCGTGACCAGGGCCTGGT[G>A]CTGGGCCTCCAGCCTGGCAGGTCAGGGCTACAGTCAGCGTCACCAGCGCCCCACCCGCCT-3'
Protein context (NP_958786.1, residues 866-886): QEAVTRLEAQ[His876Tyr]QALVTLWHQL